The following is an entry in ClinVar:

ClinVar aggregate classification (germline): Conflicting classifications of pathogenicity. Review status: criteria provided, conflicting classifications (1 of 4 stars). 3 submissions from 3 submitters: Uncertain significance (2); Likely benign (1). Last evaluated 2025-11-17.

Conditions:
Inborn genetic diseases. Identifiers: MedGen C0950123, MeSH D030342.

Allele frequency attached by ClinVar (database versions not stated): TOPMed below 0.00001; gnomAD 0.00002 and 0.00003; ExAC 0.00004; gnomAD exomes 0.00004; 1000 Genomes Project 30x 0.00016; 1000 Genomes Project 0.00020.
gnomAD v4.1: 63 of 1,614,190 alleles (0.0039%); highest among the groups gnomAD compares: Non-Finnish European, 0.0052%; no homozygotes.

Submissions (3):

Labcorp Genetics (formerly Invitae), Labcorp
Classification: Uncertain significance. Last evaluated: 2025-11-17. Review status: criteria provided, single submitter. Criteria: Invitae Variant Classification Sherloc (09022015). Collection method: clinical testing. Allele origin: germline.
Comment: This sequence change replaces glutamic acid, which is acidic and polar, with lysine, which is basic and polar, at codon 136 of the RORB protein (p.Glu136Lys). This variant is present in population databases (rs199713370, gnomAD 0.008%). This variant has not been reported in the literature in individuals affected with RORB-related conditions. ClinVar contains an entry for this variant (Variation ID: 1482419). An algorithm developed to predict the effect of missense changes on protein structure and function (PolyPhen-2) suggests that this variant is likely to be tolerated. In summary, the available evidence is currently insufficient to determine the role of this variant in disease. Therefore, it has been classified as a Variant of Uncertain Significance.

Ambry Genetics
Classification: Likely benign for Inborn genetic diseases. Last evaluated: 2025-07-02. Review status: criteria provided, single submitter. Criteria: Ambry Variant Classification Scheme 2023. Collection method: clinical testing. Allele origin: germline.

Women's Health and Genetics/Laboratory Corporation of America, LabCorp
Classification: Uncertain significance. Last evaluated: 2024-04-12. Review status: criteria provided, single submitter. Criteria: LabCorp Variant Classification Summary - May 2015. Collection method: clinical testing. Allele origin: germline.
Comment: Variant summary: RORB c.406G>A (p.Glu136Lys) results in a conservative amino acid change in the encoded protein sequence. Four of five in-silico tools predict a benign effect of the variant on protein function. The variant allele was found at a frequency of 4e-05 in 249902 control chromosomes. To our knowledge, no occurrence of c.406G>A in individuals affected with Epilepsy, Idiopathic Generalized, Susceptibility To, 15 and no experimental evidence demonstrating its impact on protein function have been reported. ClinVar contains an entry for this variant (Variation ID: 1482419). Based on the evidence outlined above, the variant was classified as uncertain significance.

NM_006914.4(RORB):c.406G>A (p.Glu136Lys)

Gene: RORB (RAR related orphan receptor B; plus strand). Cytogenetic location: 9q21.13.
Variant type: single nucleotide variant.
Coding change: c.406G>A on transcript NM_006914.4 (MANE Select); coding-DNA position 406, G replaced by A.
Protein change: p.Glu136Lys; replaces glutamic acid 136 with lysine.
Molecular consequence: missense variant.
Genome position (GRCh38, 1-based): chr9:74,642,584, G>A. VCF-style: chr9-74642584-G-A. GRCh37 (hg19) VCF-style: chr9-77257500-G-A.
Other names: c.406G>A (NM_006914.3); c.439G>A, p.Glu147Lys (NM_001365023.1); short protein forms E147K, E136K.
Identifiers: ClinVar variation 1482419 (VCV001482419.10), dbSNP rs199713370, ClinGen allele CA5083361.